The following is an entry in ClinVar:

ClinVar aggregate classification (germline): Uncertain significance. Review status: criteria provided, multiple submitters, no conflicts (2 of 4 stars). 2 submissions from 2 submitters: Uncertain significance (2). Last evaluated 2024-02-09.

Conditions:
Jeune thoracic dystrophy. Also called: Jeune syndrome; Infantile thoracic dystrophy; Thoracic pelvic phalangeal dystrophy; Jeune's syndrome; Chondroectodermal dysplasia-like syndrome; Short-rib thoracic dysplasia. Identifiers: Orphanet 474, MedGen C0265275, MONDO:0018770.
Asphyxiating thoracic dystrophy 2 (SRTD2). Also called: SHORT-RIB THORACIC DYSPLASIA 2 WITHOUT POLYDACTYLY; SHORT-RIB THORACIC DYSPLASIA 2 WITH OR WITHOUT POLYDACTYLY; SHORT-RIB THORACIC DYSPLASIA 2 WITH POLYDACTYLY. Identifiers: Orphanet 474, MedGen C1970005, MONDO:0012644, OMIM 611263.

Allele frequency attached by ClinVar (database versions not stated): gnomAD exomes below 0.00001; ExAC 0.00001.
gnomAD v4.1: 3 of 1,609,098 alleles (0.00019%); highest among the groups gnomAD compares: Non-Finnish European, 0.00025%; no homozygotes.

Submissions (2):

Fulgent Genetics
Classification: Uncertain significance for Asphyxiating thoracic dystrophy 2. Last evaluated: 2024-02-09. Review status: criteria provided, single submitter. Criteria: ACMG Guidelines, 2015. Collection method: clinical testing. Allele origin: germline.

Labcorp Genetics (formerly Invitae), Labcorp
Classification: Uncertain significance for Jeune thoracic dystrophy. Last evaluated: 2021-09-26. Review status: criteria provided, single submitter. Criteria: Invitae Variant Classification Sherloc (09022015). Collection method: clinical testing. Allele origin: germline.
Comment: This sequence change replaces threonine with asparagine at codon 428 of the IFT80 protein (p.Thr428Asn). The threonine residue is highly conserved and there is a small physicochemical difference between threonine and asparagine. This variant is present in population databases (rs770394750, ExAC 0.002%). This variant has not been reported in the literature in individuals affected with IFT80-related conditions. Algorithms developed to predict the effect of missense changes on protein structure and function are either unavailable or do not agree on the potential impact of this missense change (SIFT: "Deleterious"; PolyPhen-2: "Possibly Damaging"; Align-GVGD: "Class C15"). In summary, the available evidence is currently insufficient to determine the role of this variant in disease. Therefore, it has been classified as a Variant of Uncertain Significance.

NM_020800.3(IFT80):c.1283C>A (p.Thr428Asn)

Genes: IFT80 (intraflagellar transport 80; minus strand), TRIM59-IFT80 (TRIM59-IFT80 readthrough (NMD candidate); minus strand). Cytogenetic location: 3q25.33.
Variant type: single nucleotide variant.
Coding change: c.1283C>A on transcript NM_020800.3 (MANE Select); coding-DNA position 1283, C replaced by A.
Protein change: p.Thr428Asn; replaces threonine 428 with asparagine.
Molecular consequence: missense variant. On other transcripts: non-coding transcript variant (3).
Genome position (GRCh38, 1-based): chr3:160,300,915, G>T on the plus strand (C>A on the coding strand, the complement: IFT80 is on the minus strand). VCF-style: chr3-160300915-G-T. GRCh37 (hg19) VCF-style: chr3-160018703-G-T.
Other names: c.872C>A, p.Thr291Asn (NM_001190241.2, NM_001190242.2); short protein forms T291N, T428N.
Identifiers: ClinVar variation 1355885 (VCV001355885.7), dbSNP rs770394750, ClinGen allele CA2685213.